The following is an entry in ClinVar:

ClinVar aggregate classification (germline): Conflicting classifications of pathogenicity. Review status: criteria provided, conflicting classifications (1 of 4 stars). 2 submissions from 2 submitters: Uncertain significance (1); Likely benign (1). Last evaluated 2025-01-09.

Conditions:
Inborn genetic diseases. Identifiers: MedGen C0950123, MeSH D030342.

Allele frequency attached by ClinVar (database versions not stated): ExAC 0.00002; gnomAD 0.00002 and 0.00001; gnomAD exomes 0.00002 and 0.00001; TOPMed 0.00001.
gnomAD v4.1: 18 of 1,613,922 alleles (0.0011%); highest among the groups gnomAD compares: South Asian, 0.0099%; no homozygotes.

Submissions (2):

Ambry Genetics
Classification: Likely benign for Inborn genetic diseases. Last evaluated: 2025-01-09. Review status: criteria provided, single submitter. Criteria: Ambry Variant Classification Scheme 2023. Collection method: clinical testing. Allele origin: germline.

Labcorp Genetics (formerly Invitae), Labcorp
Classification: Uncertain significance. Last evaluated: 2021-12-02. Review status: criteria provided, single submitter. Criteria: Invitae Variant Classification Sherloc (09022015). Collection method: clinical testing. Allele origin: germline.
Comment: In summary, the available evidence is currently insufficient to determine the role of this variant in disease. Therefore, it has been classified as a Variant of Uncertain Significance. This sequence change replaces arginine, which is basic and polar, with tryptophan, which is neutral and slightly polar, at codon 699 of the WHSC1 protein (p.Arg699Trp). This variant is present in population databases (rs763969166, gnomAD 0.006%). This variant has not been reported in the literature in individuals affected with WHSC1-related conditions. Algorithms developed to predict the effect of missense changes on protein structure and function are either unavailable or do not agree on the potential impact of this missense change (SIFT: "Deleterious"; PolyPhen-2: "Possibly Damaging"; Align-GVGD: "Class C0").

NM_001042424.3(NSD2):c.2095C>T (p.Arg699Trp)

Gene: NSD2 (nuclear receptor binding SET domain protein 2; plus strand). Cytogenetic location: 4p16.3.
Variant type: single nucleotide variant.
Coding change: c.2095C>T on transcript NM_001042424.3 (MANE Select); coding-DNA position 2095, C replaced by T.
Protein change: p.Arg699Trp; replaces arginine 699 with tryptophan.
Molecular consequence: missense variant.
Genome position (GRCh38, 1-based): chr4:1,952,189, C>T. VCF-style: chr4-1952189-C-T. GRCh37 (hg19) VCF-style: chr4-1953916-C-T.
Other names: c.2095C>T (NM_133330.2); c.2095C>T, p.Arg699Trp (NM_133330.3, NM_133331.3, NM_133335.4); short protein forms R699W.
Identifiers: ClinVar variation 1680188 (VCV001680188.7), dbSNP rs763969166, ClinGen allele CA2812358.
Genomic context (GRCh38, chr4:1,952,189, plus strand): 5'-CTCCTGCTCTGTGAAGGACCCTGCTGCGGAGCTTTCCACCTCGCCTGCCTTGGGCTTTCC[C>T]GGAGGCCAGAAGGGAGGTTCACCTGCAGCGAGTGTGCCTCAGGCAAGTTCCCACGGGCGG-3'
Protein context (NP_001035889.1, residues 689-709): AFHLACLGLS[Arg699Trp]RPEGRFTCSE